The following is an entry in ClinVar:

NM_003982.4(SLC7A7):c.726G>A (p.Trp242Ter)

Gene: SLC7A7 (solute carrier family 7 member 7; minus strand). Cytogenetic location: 14q11.2.
Variant type: single nucleotide variant.
Coding change: c.726G>A on transcript NM_003982.4 (MANE Select); coding-DNA position 726, G replaced by A.
Protein change: p.Trp242Ter; replaces tryptophan 242 with a stop codon.
Molecular consequence: nonsense.
Genome position (GRCh38, 1-based): chr14:22,778,837, C>T on the plus strand (G>A on the coding strand, the complement: SLC7A7 is on the minus strand). VCF-style: chr14-22778837-C-T. GRCh37 (hg19) VCF-style: chr14-23248046-C-T.
Other names: c.726G>A, p.Trp242Ter (NM_001126105.3, NM_001126106.4); short protein forms W242*.
Identifiers: ClinVar variation 6214 (VCV000006214.25), dbSNP rs121908679, ClinGen allele CA253817.

ClinVar aggregate classification (germline): Pathogenic. Review status: criteria provided, multiple submitters, no conflicts (2 of 4 stars). 9 submissions from 9 submitters: Pathogenic (5). 4 of the submissions do not count toward it. Last evaluated 2026-01-18.

Conditions:
Autoinflammatory syndrome. Identifiers: Orphanet 93665, MedGen C3890737, MONDO:0019751.
Lysinuric protein intolerance (LPI). Identifiers: Orphanet 470, MedGen C0268647, MONDO:0009109, OMIM 222700.

Allele frequency attached by ClinVar (database versions not stated): gnomAD 0.00001; TOPMed below 0.00001; gnomAD exomes 0.00001.
gnomAD v4.1: 6 of 1,614,018 alleles (0.00037%); highest among the groups gnomAD compares: Non-Finnish European, 0.00025%; no homozygotes.

Submissions (9):

Labcorp Genetics (formerly Invitae), Labcorp
Classification: Pathogenic for Lysinuric protein intolerance. Last evaluated: 2026-01-18. Review status: criteria provided, single submitter. Criteria: Invitae Variant Classification Sherloc (09022015). Collection method: clinical testing. Allele origin: germline.
Comment: This sequence change creates a premature translational stop signal (p.Trp242*) in the SLC7A7 gene. It is expected to result in an absent or disrupted protein product. Loss-of-function variants in SLC7A7 are known to be pathogenic (PMID: 10631139, 17764084). This variant is present in population databases (rs121908679, gnomAD 0.002%). This premature translational stop signal has been observed in individual(s) with lysinuricprotein intolerance (PMID: 10631139, 17530437). ClinVar contains an entry for this variant (Variation ID: 6214). Algorithms developed to predict the effect of sequence changes on RNA splicing suggest that this variant may disrupt the consensus splice site. For these reasons, this variant has been classified as Pathogenic.

Fulgent Genetics
Classification: Pathogenic for Lysinuric protein intolerance. Last evaluated: 2024-01-29. Review status: criteria provided, single submitter. Criteria: ACMG Guidelines, 2015. Collection method: clinical testing. Allele origin: germline.

Genome-Nilou Lab
Classification: Pathogenic for Lysinuric protein intolerance. Last evaluated: 2021-11-07. Review status: criteria provided, single submitter. Criteria: ACMG Guidelines, 2015. Collection method: clinical testing. Allele origin: germline. Affected: no.

Genome Diagnostics Laboratory, The Hospital for Sick Children
Classification: Pathogenic for Autoinflammatory syndrome. Last evaluated: 2019-12-01. Review status: criteria provided, single submitter. Criteria: ACMG Guidelines, 2015. Collection method: clinical testing. Allele origin: germline. Affected: yes.

Knight Diagnostic Laboratories, Oregon Health and Sciences University
Classification: Pathogenic for Lysinuric protein intolerance. Last evaluated: 2018-08-10. Review status: criteria provided, single submitter. Criteria: ACMG Guidelines, 2015. Collection method: clinical testing. Allele origin: germline. Observed: 1 variant allele.

OMIM
Classification: Pathogenic for LYSINURIC PROTEIN INTOLERANCE. Last evaluated: 2008-01-01. Review status: no assertion criteria provided. Collection method: literature only. Allele origin: germline. Not counted in ClinVar's aggregate classification.

Clinical Genetics DNA and cytogenetics Diagnostics Lab, Erasmus MC, Erasmus Medical Center
Classification: Pathogenic. Review status: no assertion criteria provided. Collection method: clinical testing. Allele origin: germline. Affected: yes. Study: VKGL Data-share Consensus. Not counted in ClinVar's aggregate classification.

GeneReviews
No classification provided. Condition: Lysinuric protein intolerance. Review status: no classification provided. Collection method: literature only. Allele origin: germline. Not counted in ClinVar's aggregate classification.

Joint Genome Diagnostic Labs from Nijmegen and Maastricht, Radboudumc and MUMC+
Classification: Pathogenic. Review status: no assertion criteria provided. Collection method: clinical testing. Allele origin: germline. Affected: yes. Study: VKGL Data-share Consensus. Not counted in ClinVar's aggregate classification.

Literature cited by the submitters: PubMed 10631139 (cited by Labcorp Genetics (formerly Invitae), Labcorp and OMIM); PubMed 17764084 (cited by Labcorp Genetics (formerly Invitae), Labcorp and OMIM); PubMed 17530437 (cited by Labcorp Genetics (formerly Invitae), Labcorp); NCBI Bookshelf NBK1361 (cited by GeneReviews); PubMed 20301535 (cited by GeneReviews).